The following is an entry in ClinVar:

NM_003036.4(SKI):c.461C>T (p.Thr154Met)

Gene: SKI (SKI proto-oncogene; plus strand). Cytogenetic location: 1p36.33.
Variant type: single nucleotide variant.
Coding change: c.461C>T on transcript NM_003036.4 (MANE Select); coding-DNA position 461, C replaced by T.
Protein change: p.Thr154Met; replaces threonine 154 with methionine.
Molecular consequence: missense variant.
Genome position (GRCh38, 1-based): chr1:2,229,227, C>T. VCF-style: chr1-2229227-C-T. GRCh37 (hg19) VCF-style: chr1-2160666-C-T.
Other names: short protein forms T154M.
Identifiers: ClinVar variation 575082 (VCV000575082.10), dbSNP rs1275592565, ClinGen allele CA337953366.

ClinVar aggregate classification (germline): Uncertain significance. Review status: criteria provided, multiple submitters, no conflicts (2 of 4 stars). 3 submissions from 3 submitters: Uncertain significance (3). Last evaluated 2025-05-30.

Conditions:
Shprintzen-Goldberg syndrome (SGS). Also called: SHPRINTZEN-GOLDBERG CRANIOSYNOSTOSIS SYNDROME; CRANIOSYNOSTOSIS WITH ARACHNODACTYLY AND ABDOMINAL HERNIAS; Marfanoid disorder with craniosynostosis type 1; Marfanoid craniosynostosis syndrome; Shprintzen-Goldberg marfanoid syndrome. Identifiers: Orphanet 2462, MedGen C1321551, MONDO:0008426, OMIM 182212.

Allele frequency attached by ClinVar (database versions not stated): gnomAD exomes 0.00001 and below 0.00001.
gnomAD v4.1: 2 of 1,607,282 alleles (0.00012%); highest among the groups gnomAD compares: Non-Finnish European, 0.00017%; no homozygotes.

Submissions (3):

GeneDx
Classification: Uncertain significance. Last evaluated: 2025-05-30. Review status: criteria provided, single submitter. Criteria: GeneDx Variant Classification Process June 2021. Collection method: clinical testing. Allele origin: germline. Affected: yes.
Comment: In silico analysis supports that this missense variant has a deleterious effect on protein structure/function; Has not been previously published as pathogenic or benign to our knowledge

Revvity Omics, Revvity
Classification: Uncertain significance for Shprintzen-Goldberg syndrome. Last evaluated: 2023-10-03. Review status: criteria provided, single submitter. Criteria: ACMG Guidelines, 2015. Collection method: clinical testing. Allele origin: germline.

Labcorp Genetics (formerly Invitae), Labcorp
Classification: Uncertain significance for Shprintzen-Goldberg syndrome. Last evaluated: 2022-08-16. Review status: criteria provided, single submitter. Criteria: Invitae Variant Classification Sherloc (09022015). Collection method: clinical testing. Allele origin: germline.
Comment: In summary, the available evidence is currently insufficient to determine the role of this variant in disease. Therefore, it has been classified as a Variant of Uncertain Significance. Advanced modeling of protein sequence and biophysical properties (such as structural, functional, and spatial information, amino acid conservation, physicochemical variation, residue mobility, and thermodynamic stability) performed at Invitae indicates that this missense variant is expected to disrupt SKI protein function. ClinVar contains an entry for this variant (Variation ID: 575082). This variant has not been reported in the literature in individuals affected with SKI-related conditions. The frequency data for this variant in the population databases is considered unreliable, as metrics indicate poor data quality at this position in the gnomAD database. This sequence change replaces threonine, which is neutral and polar, with methionine, which is neutral and non-polar, at codon 154 of the SKI protein (p.Thr154Met).